The following is an entry in ClinVar:

ClinVar aggregate classification (germline): Pathogenic (1 of 4 stars; one submission).

Conditions:
Hereditary cancer-predisposing syndrome. Also called: Hereditary neoplastic syndrome; Neoplastic Syndromes, Hereditary; Tumor predisposition; Hereditary Cancer Syndrome. Identifiers: Orphanet 140162, MedGen C0027672, MeSH D009386, MONDO:0015356.

Submission:

Ambry Genetics
Classification: Pathogenic for Hereditary cancer-predisposing syndrome. Last evaluated: 2015-09-03. Review status: criteria provided, single submitter. Criteria: Ambry Variant Classification Scheme 2023. Collection method: clinical testing. Allele origin: germline.
Comment: The p.G1925* pathogenic mutation (also known as c.5773G>T), located in coding exon 38 of the ATM gene, results from a G to T substitution at nucleotide position 5773. This changes the amino acid from a glycine to a stop codon within coding exon 38. Since premature stop codons are typically deleterious in nature, this alteration is interpreted as a disease-causing mutation (ACMG Recommendations for Standards for Interpretation and Reporting of Sequence Variations. Revision 2007. Genet Med. 2008;10:294).

NM_000051.4(ATM):c.5773G>T (p.Gly1925Ter)

Genes: ATM (ATM serine/threonine kinase; plus strand), C11orf65 (chromosome 11 open reading frame 65; minus strand). Cytogenetic location: 11q22.3.
Variant type: single nucleotide variant.
Coding change: c.5773G>T on transcript NM_000051.4 (MANE Select); coding-DNA position 5773, G replaced by T.
Protein change: p.Gly1925Ter; replaces glycine 1925 with a stop codon.
Molecular consequence: nonsense. On other transcripts: intron variant (2).
Genome position (GRCh38, 1-based): chr11:108,310,170, G>T. VCF-style: chr11-108310170-G-T. GRCh37 (hg19) VCF-style: chr11-108180897-G-T.
Other names: c.5773G>T, p.Gly1925Ter (NM_001351834.2); c.641-1099C>A (NM_001330368.2); c.*39-1099C>A (NM_001351110.2); short protein forms G1925*.
Identifiers: ClinVar variation 1749565 (VCV001749565.2), dbSNP rs1591745423, ClinGen allele CA382548294.
Genomic context (GRCh38, chr11:108,310,170, plus strand): 5'-GATATTGAAGTTTAAAAAAGTGAATGACATTATATCTCATTTTTCTTTAGACCTTCTTCA[G>T]GAACAATTTTTAATGATGCTTTCTGGCTGGATTTAAATTATCTAGAAGTTGCCAAGGTAG-3'